The following is an entry in ClinVar:

NM_001044.5(SLC6A3):c.1390G>A (p.Val464Ile)

Gene: SLC6A3 (solute carrier family 6 member 3). Cytogenetic location: 5p15.33.
Variant type: single nucleotide variant.
Coding change: c.1390G>A on transcript NM_001044.5 (MANE Select); coding-DNA position 1390, G replaced by A.
Protein change: p.Val464Ile; replaces valine 464 with isoleucine.
Molecular consequence: missense variant.
Genome position (GRCh38, 1-based): chr5:1,409,729, C>T on the plus strand (G>A on the coding strand, the complement: SLC6A3 is on the minus strand). VCF-style: chr5-1409729-C-T. GRCh37 (hg19) VCF-style: chr5-1409844-C-T.
Other names: short protein forms V464I.
Identifiers: ClinVar variation 809729 (VCV000809729.52), dbSNP rs140401978, ClinGen allele CA3186064.
Genomic context (GRCh38, chr5:1,409,729, plus strand): 5'-ACGTGCTAAGGAGACATGACCAGGAGAAGGCGAAGCCGGCGATGGTACGTACGTTGGTGA[C>T]GCAGAACAGGGACAGGAGGAAGGTCGCCAGGACGATGAAGAGCGTGAAGAGCTCACGGTG-3'
Protein context (NP_001035.1, residues 454-474): LATFLLSLFC[Val464Ile]TNGGIYVFTL

ClinVar aggregate classification (germline): Benign/Likely benign. Review status: criteria provided, multiple submitters, no conflicts (2 of 4 stars). 3 submissions from 3 submitters: Benign (1); Likely benign (2). Last evaluated 2025-10-07.

Conditions:
Parkinsonism-dystonia, infantile. Identifiers: Orphanet 238455, MedGen C2751067, MONDO:0013150.

Allele frequency attached by ClinVar (database versions not stated): gnomAD exomes 0.00021 and 0.00047; TOPMed 0.00026; gnomAD 0.00027 and 0.00029; ExAC 0.00038; ESP Exome Variant Server 0.00054.

Submissions (3):

Labcorp Genetics (formerly Invitae), Labcorp
Classification: Benign for Parkinsonism-dystonia, infantile. Last evaluated: 2025-10-07. Review status: criteria provided, single submitter. Criteria: Invitae Variant Classification Sherloc (09022015). Collection method: clinical testing. Allele origin: germline.

CeGaT Center for Human Genetics Tuebingen
Classification: Likely benign. Last evaluated: 2024-12-01. Review status: criteria provided, single submitter. Criteria: CeGaT Center For Human Genetics Tuebingen Variant Classification Criteria Version 2. Collection method: clinical testing. Allele origin: germline. Affected: yes. Observed: 2 variant alleles.
Comment: SLC6A3: BS2

GeneDx
Classification: Likely benign. Last evaluated: 2020-11-02. Review status: criteria provided, single submitter. Criteria: GeneDx Variant Classification Process June 2021. Collection method: clinical testing. Allele origin: germline. Affected: yes.
Comment: Has not been previously published as pathogenic or benign to our knowledge